The following is an entry in ClinVar:

NM_020338.4(ZMIZ1):c.2759A>T (p.Gln920Leu)

Gene: ZMIZ1 (zinc finger MIZ-type containing 1; plus strand). Cytogenetic location: 10q22.3.
Variant type: single nucleotide variant.
Coding change: c.2759A>T on transcript NM_020338.4 (MANE Select); coding-DNA position 2759, A replaced by T.
Protein change: p.Gln920Leu; replaces glutamine 920 with leucine.
Molecular consequence: missense variant.
Genome position (GRCh38, 1-based): chr10:79,307,495, A>T. VCF-style: chr10-79307495-A-T. GRCh37 (hg19) VCF-style: chr10-81067252-A-T.
Other names: short protein forms Q920L.
Identifiers: ClinVar variation 4768933 (VCV004768933.1).
Genomic context (GRCh38, chr10:79,307,495, plus strand): 5'-ACTTCCCCCACGGGAACCCTGGAGGGACATCCATGAATGACTTCATGCACGGGCCCCCCC[A>T]GCTCTCCCACCCCCCGGACATGCCCAACAACATGGCCGCCCTCGAGAAACCCCTCAGCCA-3'
Protein context (NP_065071.1, residues 910-930): SMNDFMHGPP[Gln920Leu]LSHPPDMPNN

ClinVar aggregate classification (germline): Uncertain significance (1 of 4 stars; one submission).

gnomAD v4.1: 4 of 1,292,242 alleles (0.00031%); highest among the groups gnomAD compares: Non-Finnish European, 0.00041%; no homozygotes.

Submission:

Labcorp Genetics (formerly Invitae), Labcorp
Classification: Uncertain significance. Last evaluated: 2025-12-08. Review status: criteria provided, single submitter. Criteria: Invitae Variant Classification Sherloc (09022015). Collection method: clinical testing. Allele origin: germline.
Comment: This sequence change replaces glutamine, which is neutral and polar, with leucine, which is neutral and non-polar, at codon 920 of the ZMIZ1 protein (p.Gln920Leu). This variant is not present in population databases (gnomAD no frequency). This variant has not been reported in the literature in individuals affected with ZMIZ1-related conditions. Invitae Evidence Modeling of protein sequence and biophysical properties (such as structural, functional, and spatial information, amino acid conservation, physicochemical variation, residue mobility, and thermodynamic stability) indicates that this missense variant is not expected to disrupt ZMIZ1 protein function with a negative predictive value of 95%. In summary, the available evidence is currently insufficient to determine the role of this variant in disease. Therefore, it has been classified as a Variant of Uncertain Significance.